The following is an entry in ClinVar:

ClinVar aggregate classification (germline): Uncertain significance. Review status: criteria provided, multiple submitters, no conflicts (2 of 4 stars). 4 submissions from 4 submitters: Uncertain significance (4). Last evaluated 2026-03-20.

Conditions:
CACNB2-related disorder. Also called: CACNB2-related condition.
Brugada syndrome 4 (BRGDA4). Identifiers: Orphanet 130, MedGen C2678477, MONDO:0012743, OMIM 611876.
Cardiovascular phenotype. Identifiers: MedGen CN230736.

Allele frequency attached by ClinVar (database versions not stated): gnomAD exomes below 0.00001; ExAC 0.00001; TOPMed 0.00003; gnomAD 0.00004.
gnomAD v4.1: 9 of 1,613,908 alleles (0.00056%); highest among the groups gnomAD compares: African/African-American, 0.012%; no homozygotes.

Submissions (4):

Women's Health and Genetics/Laboratory Corporation of America, LabCorp
Classification: Uncertain significance. Last evaluated: 2026-03-20. Review status: criteria provided, single submitter. Criteria: LabCorp Variant Classification Summary - May 2015. Collection method: clinical testing. Allele origin: germline.

Ambry Genetics
Classification: Uncertain significance for Cardiovascular phenotype. Last evaluated: 2025-06-17. Review status: criteria provided, single submitter. Criteria: Ambry Variant Classification Scheme 2023. Collection method: clinical testing. Allele origin: germline.

PreventionGenetics, part of Exact Sciences
Classification: Uncertain significance for CACNB2-related condition. Last evaluated: 2025-05-21. Review status: criteria provided, single submitter. Criteria: ACMG Guidelines, 2015. Collection method: clinical testing. Allele origin: germline.
Comment: The CACNB2 c.1577A>G variant is predicted to result in the amino acid substitution p.Asp526Gly. To our knowledge, this variant has not been reported in the literature. This variant is reported in 0.0080% of alleles in individuals of African descent in gnomAD. At this time, the clinical significance of this variant is uncertain due to the absence of conclusive functional and genetic evidence.

Labcorp Genetics (formerly Invitae), Labcorp
Classification: Uncertain significance for Brugada syndrome 4. Last evaluated: 2024-10-06. Review status: criteria provided, single submitter. Criteria: Invitae Variant Classification Sherloc (09022015). Collection method: clinical testing. Allele origin: germline.
Comment: This sequence change replaces aspartic acid, which is acidic and polar, with glycine, which is neutral and non-polar, at codon 526 of the CACNB2 protein (p.Asp526Gly). This variant is present in population databases (rs762715765, gnomAD 0.008%). This variant has not been reported in the literature in individuals affected with CACNB2-related conditions. ClinVar contains an entry for this variant (Variation ID: 1504916). Invitae Evidence Modeling of protein sequence and biophysical properties (such as structural, functional, and spatial information, amino acid conservation, physicochemical variation, residue mobility, and thermodynamic stability) indicates that this missense variant is not expected to disrupt CACNB2 protein function with a negative predictive value of 80%. In summary, the available evidence is currently insufficient to determine the role of this variant in disease. Therefore, it has been classified as a Variant of Uncertain Significance.

NM_201596.3(CACNB2):c.1739A>G (p.Asp580Gly)

Gene: CACNB2 (calcium voltage-gated channel auxiliary subunit beta 2; plus strand). Cytogenetic location: 10p12.31.
Variant type: single nucleotide variant.
Coding change: c.1739A>G on transcript NM_201596.3 (MANE Select); coding-DNA position 1739, A replaced by G.
Protein change: p.Asp580Gly; replaces aspartic acid 580 with glycine.
Molecular consequence: missense variant.
Genome position (GRCh38, 1-based): chr10:18,539,480, A>G. VCF-style: chr10-18539480-A-G. GRCh37 (hg19) VCF-style: chr10-18828409-A-G.
Other names: c.1574A>G, p.Asp525Gly (NM_000724.4); c.1541A>G, p.Asp514Gly (NM_001167945.2); c.1460A>G, p.Asp487Gly (NM_001330060.2); c.1595A>G, p.Asp532Gly (NM_201570.3); c.1655A>G, p.Asp552Gly (NM_201571.4); c.1583A>G, p.Asp528Gly (NM_201572.4); c.1577A>G, p.Asp526Gly (NM_201590.3); c.1625A>G, p.Asp542Gly (NM_201593.3); and 1 more; short protein forms D487G, D532G, D556G, D525G, D526G, D542G, D580G, D514G.
Identifiers: ClinVar variation 1504916 (VCV001504916.14), dbSNP rs762715765, ClinGen allele CA5430149.
Genomic context (GRCh38, chr10:18,539,480, plus strand): 5'-AGGAGAGTCGAGACTCTGCCTACGTAGAGCCAAAGGAAGATTATTCCCATGACCACGTGG[A>G]CCACTATGCCTCACACCGTGACCACAACCACAGAGACGAGACCCACGGGAGCAGTGACCA-3'
Protein context (NP_963890.2, residues 570-590): PKEDYSHDHV[Asp580Gly]HYASHRDHNH